The following is an entry in ClinVar:

ClinVar aggregate classification (germline): Uncertain significance (1 of 4 stars; one submission).

Conditions:
Glycogen storage disease IXb (GSD9B). Also called: GLYCOGENOSIS OF LIVER AND MUSCLE, AUTOSOMAL RECESSIVE; GSD IXb; PHOSPHORYLASE KINASE DEFICIENCY OF LIVER AND MUSCLE, AUTOSOMAL RECESSIVE. Identifiers: Orphanet 79240, MedGen C0543514, MONDO:0009868, OMIM 261750.

Allele frequency attached by ClinVar (database versions not stated): gnomAD 0.00001; TOPMed 0.00002; ExAC 0.00003; gnomAD exomes 0.00003.
gnomAD v4.1: 37 of 1,453,516 alleles (0.0025%); highest among the groups gnomAD compares: East Asian, 0.084%; no homozygotes.

Submission:

Labcorp Genetics (formerly Invitae), Labcorp
Classification: Uncertain significance for Glycogen storage disease IXb. Last evaluated: 2022-04-07. Review status: criteria provided, single submitter. Criteria: Invitae Variant Classification Sherloc (09022015). Collection method: clinical testing. Allele origin: germline.
Comment: This sequence change falls in intron 11 of the PHKB gene. It does not directly change the encoded amino acid sequence of the PHKB protein. This variant is present in population databases (rs765621097, gnomAD 0.02%). This variant has not been reported in the literature in individuals affected with PHKB-related conditions. Algorithms developed to predict the effect of sequence changes on RNA splicing suggest that this variant may disrupt the consensus splice site. In summary, the available evidence is currently insufficient to determine the role of this variant in disease. Therefore, it has been classified as a Variant of Uncertain Significance.

NM_000293.3(PHKB):c.1127-6T>A

Gene: PHKB (phosphorylase kinase regulatory subunit beta; plus strand). Cytogenetic location: 16q12.1.
Variant type: single nucleotide variant.
Coding change: c.1127-6T>A on transcript NM_000293.3 (MANE Select); 6 bases into the intron before coding-DNA position 1127, T replaced by A.
Molecular consequence: intron variant.
Genome position (GRCh38, 1-based): chr16:47,594,131, T>A. VCF-style: chr16-47594131-T-A. GRCh37 (hg19) VCF-style: chr16-47628042-T-A.
Other names: c.1127-6T>A (NM_001363837.1); c.1106-6T>A (NM_001031835.3).
Identifiers: ClinVar variation 2176747 (VCV002176747.1), dbSNP rs765621097, ClinGen allele CA8040715.